The following is an entry in ClinVar:

ClinVar aggregate classification (germline): Uncertain significance (1 of 4 stars; one submission).

Conditions:
Giant axonal neuropathy 1 (GAN1). Also called: GIANT AXONAL NEUROPATHY 1, AUTOSOMAL RECESSIVE; GAN-Related Neurodegeneration. Identifiers: Orphanet 643, MedGen C1850386, MONDO:0009749, OMIM 256850.

Allele frequency attached by ClinVar (database versions not stated): gnomAD exomes below 0.00001; TOPMed below 0.00001; gnomAD 0.00001.
gnomAD v4.1: 5 of 1,613,990 alleles (0.00031%); highest among the groups gnomAD compares: African/African-American, 0.0013%; no homozygotes.

Submission:

Labcorp Genetics (formerly Invitae), Labcorp
Classification: Uncertain significance for Giant axonal neuropathy 1. Last evaluated: 2021-06-24. Review status: criteria provided, single submitter. Criteria: Invitae Variant Classification Sherloc (09022015). Collection method: clinical testing. Allele origin: germline.
Comment: This sequence change replaces arginine with histidine at codon 574 of the GAN protein (p.Arg574His). The arginine residue is moderately conserved and there is a small physicochemical difference between arginine and histidine. This variant is not present in population databases (ExAC no frequency). This variant has not been reported in the literature in individuals with GAN-related conditions. Algorithms developed to predict the effect of missense changes on protein structure and function (SIFT, PolyPhen-2, Align-GVGD) all suggest that this variant is likely to be tolerated, but these predictions have not been confirmed by published functional studies and their clinical significance is uncertain. In summary, the available evidence is currently insufficient to determine the role of this variant in disease. Therefore, it has been classified as a Variant of Uncertain Significance.

NM_022041.4(GAN):c.1721G>A (p.Arg574His)

Gene: GAN (gigaxonin; plus strand). Cytogenetic location: 16q23.2.
Variant type: single nucleotide variant.
Coding change: c.1721G>A on transcript NM_022041.4 (MANE Select); coding-DNA position 1721, G replaced by A.
Protein change: p.Arg574His; replaces arginine 574 with histidine.
Molecular consequence: missense variant.
Genome position (GRCh38, 1-based): chr16:81,377,523, G>A. VCF-style: chr16-81377523-G-A. GRCh37 (hg19) VCF-style: chr16-81411128-G-A.
Other names: c.1082G>A, p.Arg361His (NM_001377486.1); short protein forms R361H, R574H.
Identifiers: ClinVar variation 1374016 (VCV001374016.8), dbSNP rs1394459173, ClinGen allele CA396892478.